The following is an entry in ClinVar:

NM_000127.3(EXT1):c.2133G>A (p.Trp711Ter)

Gene: EXT1 (exostosin glycosyltransferase 1; minus strand). Cytogenetic location: 8q24.11.
Variant type: single nucleotide variant.
Coding change: c.2133G>A on transcript NM_000127.3 (MANE Select); coding-DNA position 2133, G replaced by A.
Protein change: p.Trp711Ter; replaces tryptophan 711 with a stop codon.
Molecular consequence: nonsense.
Genome position (GRCh38, 1-based): chr8:117,799,820, C>T on the plus strand (G>A on the coding strand, the complement: EXT1 is on the minus strand). VCF-style: chr8-117799820-C-T. GRCh37 (hg19) VCF-style: chr8-118812059-C-T.
Other names: short protein forms W711*.
Identifiers: ClinVar variation 1306269 (VCV001306269.11), dbSNP rs2129679879, ClinGen allele CA371890023.
Genomic context (GRCh38, chr8:117,799,820, plus strand): 5'-GTCTTTAAAGAGGACGGGGTCGAGCCTCATCTGAGAGTGGATCAGCGGCATGTAGCCAAA[C>T]CAGCTGGCAAACGTATTCATGCAGCTCTGTCGCTGGGCAAAGTGGTCAGGGTCAGCCCAA-3'

ClinVar aggregate classification (germline): Conflicting classifications of pathogenicity. Review status: criteria provided, conflicting classifications (1 of 4 stars). 3 submissions from 3 submitters: Pathogenic (2); Uncertain significance (1). Last evaluated 2023-07-25.

Conditions:
EXT1-related disorders.
Multiple congenital exostosis (EXT). Also called: Hereditary multiple osteochondromas; MULTIPLE CARTILAGINOUS EXOSTOSES; Hereditary multiple exostoses; Hereditary multiple exostosis; Multiple osteochondromas; Multiple exostoses. Identifiers: Orphanet 321, MedGen C0015306, MONDO:0005508, HP:0002762.

Submissions (3):

GeneDx
Classification: Uncertain significance. Last evaluated: 2023-07-25. Review status: criteria provided, single submitter. Criteria: GeneDx Variant Classification Process June 2021. Collection method: clinical testing. Allele origin: germline. Affected: yes.
Comment: Nonsense variant predicted to result in protein truncation, although loss-of-function variants have not been reported downstream of this position in the protein; Not observed in large population cohorts (gnomAD); A different nucleotide change (c.2132G>A) that leads to the same nonsense variant and is currently of uncertain significance has been reported in the published literature in association with hereditary multiple exostoses (Maddirevula et al., 2018); Has not been previously published as pathogenic or benign to our knowledge

Blueprint Genetics
Classification: Pathogenic for EXT1-related disorders. Last evaluated: 2022-07-11. Review status: criteria provided, single submitter. Criteria: ACMG Guidelines, 2015. Collection method: clinical testing. Allele origin: germline. Affected: yes. Observed: 2 variant alleles.

Labcorp Genetics (formerly Invitae), Labcorp
Classification: Pathogenic for Multiple congenital exostosis. Last evaluated: 2022-07-05. Review status: criteria provided, single submitter. Criteria: Invitae Variant Classification Sherloc (09022015). Collection method: clinical testing. Allele origin: germline.
Comment: For these reasons, this variant has been classified as Pathogenic. ClinVar contains an entry for this variant (Variation ID: 1306269). This premature translational stop signal has been observed in individual(s) with hereditary multiple osteochondromatosis (PMID: 29620724; Invitae). This variant is not present in population databases (gnomAD no frequency). This sequence change creates a premature translational stop signal (p.Trp711*) in the EXT1 gene. While this is not anticipated to result in nonsense mediated decay, it is expected to disrupt the last 36 amino acid(s) of the EXT1 protein.

Literature cited by the submitters: PubMed 29620724 (cited by Labcorp Genetics (formerly Invitae), Labcorp).